The following is an entry in ClinVar:

ClinVar aggregate classification (germline): Likely benign (1 of 4 stars; one submission).

Conditions:
MYH10-related disorder. Also called: MYH10-related condition.

gnomAD v4.1: 42 of 1,614,098 alleles (0.0026%); highest among the groups gnomAD compares: East Asian, 0.027%; no homozygotes.

Submission:

PreventionGenetics, part of Exact Sciences
Classification: Likely benign for MYH10-related condition. Last evaluated: 2026-02-24. Review status: criteria provided, single submitter. Criteria: ACMG Guidelines, 2015. Collection method: clinical testing. Allele origin: germline.
Comment: This variant is classified as likely benign based on ACMG/AMP sequence variant interpretation guidelines (Richards et al. 2015 PMID: 25741868, with internal and published modifications).

NM_001256012.3(MYH10):c.3579G>A (p.Thr1193=)

Gene: MYH10 (myosin heavy chain 10; minus strand). Cytogenetic location: 17p13.1.
Variant type: single nucleotide variant.
Coding change: c.3579G>A on transcript NM_001256012.3 (MANE Select); coding-DNA position 3579, G replaced by A.
Protein change: p.Thr1193=; no amino-acid change (threonine 1193 retained).
Molecular consequence: synonymous variant.
Genome position (GRCh38, 1-based): chr17:8,504,714, C>T on the plus strand (G>A on the coding strand, the complement: MYH10 is on the minus strand). VCF-style: chr17-8504714-C-T. GRCh37 (hg19) VCF-style: chr17-8408032-C-T.
Other names: c.3513G>A, p.Thr1171= (NM_001256095.2); c.3516G>A, p.Thr1172= (NM_001375266.1); c.3486G>A, p.Thr1162= (NM_005964.5).
Identifiers: ClinVar variation 4981499 (VCV004981499.1).